The following is an entry in ClinVar:

ClinVar aggregate classification (germline): Uncertain significance (1 of 4 stars; one submission).

Submission:

Labcorp Genetics (formerly Invitae), Labcorp
Classification: Uncertain significance. Last evaluated: 2021-06-11. Review status: criteria provided, single submitter. Criteria: Invitae Variant Classification Sherloc (09022015). Collection method: clinical testing. Allele origin: germline.
Comment: In summary, the available evidence is currently insufficient to determine the role of this variant in disease. Therefore, it has been classified as a Variant of Uncertain Significance. Algorithms developed to predict the effect of missense changes on protein structure and function output the following: SIFT: "Tolerated"; PolyPhen-2: "Benign"; Align-GVGD: "Class C0". The glycine amino acid residue is found in multiple mammalian species, suggesting that this missense change does not adversely affect protein function. These predictions have not been confirmed by published functional studies and their clinical significance is uncertain. This variant has not been reported in the literature in individuals with POLE-related conditions. This variant is not present in population databases (ExAC no frequency). This sequence change replaces glutamic acid with glycine at codon 1965 of the POLE protein (p.Glu1965Gly). The glutamic acid residue is weakly conserved and there is a moderate physicochemical difference between glutamic acid and glycine.

NM_006231.4(POLE):c.5894A>G (p.Glu1965Gly)

Gene: POLE (DNA polymerase epsilon, catalytic subunit; minus strand). Cytogenetic location: 12q24.33.
Variant type: single nucleotide variant.
Coding change: c.5894A>G on transcript NM_006231.4 (MANE Select); coding-DNA position 5894, A replaced by G.
Protein change: p.Glu1965Gly; replaces glutamic acid 1965 with glycine.
Molecular consequence: missense variant.
Genome position (GRCh38, 1-based): chr12:132,634,296, T>C on the plus strand (A>G on the coding strand, the complement: POLE is on the minus strand). VCF-style: chr12-132634296-T-C. GRCh37 (hg19) VCF-style: chr12-133210882-T-C.
Other names: short protein forms E1965G.
Identifiers: ClinVar variation 1409101 (VCV001409101.8), dbSNP rs2138474618, ClinGen allele CA387371649.